The following is an entry in ClinVar:

NC_000001.11:g.12014474A>G

Gene: MFN2 (mitofusin 2; plus strand). Cytogenetic location: 1p36.22.
Variant type: single nucleotide variant.
Genome position: GRCh38 VCF-style: chr1-12014474-A-G. GRCh37 (hg19) VCF-style: chr1-12074531-A-G.
Identifiers: ClinVar variation 1711211 (VCV001711211.30), dbSNP rs143440477, ClinGen allele CA18020044.

ClinVar aggregate classification (germline): Likely benign (1 of 4 stars; one submission).

Allele frequency attached by ClinVar (database versions not stated): 1000 Genomes Project 0.00180; 1000 Genomes Project 30x 0.00281; gnomAD 0.00281; TOPMed 0.00293.

Submission:

CeGaT Center for Human Genetics Tuebingen
Classification: Likely benign. Last evaluated: 2025-07-01. Review status: criteria provided, single submitter. Criteria: CeGaT Center For Human Genetics Tuebingen Variant Classification Criteria Version 2. Collection method: clinical testing. Allele origin: germline. Affected: yes. Observed: 3 variant alleles.
Comment: MFN2: PP2, BS2